The following is an entry in ClinVar:

ClinVar aggregate classification (germline): Likely benign (1 of 4 stars; one submission).

Conditions:
Neurodevelopmental disorder with speech impairment and dysmorphic facies. Identifiers: MedGen C5436699, MONDO:0033630, OMIM 619056.

Submission:

Centre for Medical Genetics,  Mumbai
Classification: Likely benign for Neurodevelopmental disorder with speech impairment and dysmorphic facies. Last evaluated: 2026-03-23. Review status: criteria provided, single submitter. Criteria: ACMG Guidelines, 2015. Collection method: provider interpretation. Allele origin: germline. Inheritance: Autosomal dominant inheritance. Affected: no. Observed: 1 variant allele, 1 heterozygote.
Comment: The variant satisfies PM2 criteria; Extremely low frequency in gnomAD population databases. However, the variant satisfies BS2 criteria; present in heterozygous state in an individual that clinically does not have neurodevelopmental disorder with speech impairment and dysmorphic facies

Literature cited by the submitters: PubMed 32346159.

NM_014712.3(SETD1A):c.2378G>C (p.Arg793Pro)

Gene: SETD1A (SET domain containing 1A, histone lysine methyltransferase; plus strand). Cytogenetic location: 16p11.2.
Variant type: single nucleotide variant.
Coding change: c.2378G>C on transcript NM_014712.3 (MANE Select); coding-DNA position 2378, G replaced by C.
Protein change: p.Arg793Pro; replaces arginine 793 with proline.
Molecular consequence: missense variant.
Genome position (GRCh38, 1-based): chr16:30,966,259, G>C. VCF-style: chr16-30966259-G-C. GRCh37 (hg19) VCF-style: chr16-30977580-G-C.
Other names: short protein forms R793P.
Identifiers: ClinVar variation 4820204 (VCV004820204.1).